The following is an entry in ClinVar:

NM_018943.3(TUBA8):c.202A>C (p.Ile68Leu)

Gene: TUBA8 (tubulin alpha 8; plus strand). Cytogenetic location: 22q11.21.
Variant type: single nucleotide variant.
Coding change: c.202A>C on transcript NM_018943.3 (MANE Select); coding-DNA position 202, A replaced by C.
Protein change: p.Ile68Leu; replaces isoleucine 68 with leucine.
Molecular consequence: missense variant.
Genome position (GRCh38, 1-based): chr22:18,121,677, A>C. VCF-style: chr22-18121677-A-C. GRCh37 (hg19) VCF-style: chr22-18604444-A-C.
Other names: TUBA8, ILE68LEU (rs776983625); c.4A>C, p.Ile2Leu (NM_001193414.2); short protein forms I68L, I2L.
Identifiers: ClinVar variation 1686848 (VCV001686848.4), dbSNP rs776983625, ClinGen allele CA10093606.

ClinVar aggregate classification (germline): Uncertain significance. Review status: criteria provided, single submitter (1 of 4 stars). 2 submissions from 2 submitters: Uncertain significance (1). 1 of the submissions does not count toward it. Last evaluated 2024-12-26.

Conditions:
Macrothrombocytopenia, isolated, 2, autosomal dominant (MACTHC2). Identifiers: MedGen C5676968, MONDO:0030827, OMIM 619840.

Allele frequency attached by ClinVar (database versions not stated): gnomAD 0.00001; TOPMed 0.00001; ExAC 0.00007; gnomAD exomes 0.00007.

Submissions (2):

Labcorp Genetics (formerly Invitae), Labcorp
Classification: Uncertain significance. Last evaluated: 2024-12-26. Review status: criteria provided, single submitter. Criteria: Invitae Variant Classification Sherloc (09022015). Collection method: clinical testing. Allele origin: germline.
Comment: This sequence change replaces isoleucine, which is neutral and non-polar, with leucine, which is neutral and non-polar, at codon 68 of the TUBA8 protein (p.Ile68Leu). This variant is present in population databases (rs776983625, gnomAD 0.1%), and has an allele count higher than expected for a pathogenic variant. This variant has not been reported in the literature in individuals affected with TUBA8-related conditions. ClinVar contains an entry for this variant (Variation ID: 1686848). Invitae Evidence Modeling of protein sequence and biophysical properties (such as structural, functional, and spatial information, amino acid conservation, physicochemical variation, residue mobility, and thermodynamic stability) indicates that this missense variant is not expected to disrupt TUBA8 protein function with a negative predictive value of 80%. Experimental studies have shown that this missense change affects TUBA8 function (PMID: 34704371). In summary, the available evidence is currently insufficient to determine the role of this variant in disease. Therefore, it has been classified as a Variant of Uncertain Significance.

OMIM
Classification: Pathogenic for MACROTHROMBOCYTOPENIA, ISOLATED, 2, AUTOSOMAL DOMINANT. Last evaluated: 2022-04-26. Review status: no assertion criteria provided. Collection method: literature only. Allele origin: germline. Not counted in ClinVar's aggregate classification.

Literature cited by the submitters: PubMed 34704371 (cited by Labcorp Genetics (formerly Invitae), Labcorp and OMIM).